The following is an entry in ClinVar:

ClinVar aggregate classification (germline): Benign. Review status: reviewed by expert panel (3 of 4 stars). 19 submissions from 17 submitters: Benign (1). 18 of the submissions do not count toward it. Last evaluated 2025-06-09.

Conditions:
HNF1A-related disorder. Also called: HNF1A-related condition.
Monogenic diabetes. Identifiers: Orphanet 183625, MedGen C3888631, MONDO:0015967.
Diabetes mellitus type 1 (T1D). Also called: Type I diabetes mellitus; Diabetes Mellitus, Juvenile-Onset. Identifiers: MedGen C0011854, MONDO:0005147, OMIM 222100, HP:0100651.
Nonpapillary renal cell carcinoma. Identifiers: Orphanet 422526, MedGen CN074294, MONDO:0007763, OMIM 144700.
Hepatic adenomas, familial. Also called: LIVER CELL ADENOMAS, FAMILIAL; HEPATIC ADENOMA, SOMATIC. Identifiers: MedGen C1840646, MONDO:0007718, OMIM 142330.
Type 2 diabetes mellitus. Also called: Type II diabetes mellitus. Identifiers: MedGen C0011860, MeSH D003924, MONDO:0005148, OMIM 125853, HP:0005978.
Maturity-onset diabetes of the young type 3. Also called: MODY type 3; MODY, type III. Identifiers: Orphanet 552, MedGen C1838100, MeSH C563933, MONDO:0010894, OMIM 600496. Disease mechanism: loss of function.
Type 1 diabetes mellitus 20 (T1D20). Also called: Diabetes mellitus, insulin-dependent, 20. Identifiers: MedGen C2675866, MONDO:0012919, OMIM 612520.
Clear cell carcinoma of kidney. Also called: Clear cell renal cell carcinoma; Clear cell RCC; Clear cell renal carcinoma; Cystic-multilocular variant; Clear-cell metastatic renal cell carcinoma (subtype); Renal cell carcinoma, clear cell, somatic. Identifiers: Orphanet 319276, MedGen C0279702, MONDO:0005005, HP:0006770.
Maturity-onset diabetes of the young (MODY). Also called: Maturity onset diabetes mellitus in young. Identifiers: Orphanet 552, MedGen C0342276, MONDO:0018911, HP:0004904.
Chromophobe renal cell carcinoma. Also called: Renal carcinoma, chromophobe, somatic. Identifiers: Orphanet 319303, MedGen C1266042, MONDO:0017885.

Allele frequency attached by ClinVar (database versions not stated): 1000 Genomes Project 30x 0.00016; 1000 Genomes Project 0.00020; ExAC 0.00071; gnomAD 0.00076 and 0.00078; TOPMed 0.00076.

Submissions 1 to 13 of 19:

ClinGen Monogenic Diabetes Variant Curation Expert Panel
Classification: Benign for Monogenic diabetes. Last evaluated: 2025-06-09. Review status: reviewed by expert panel. Criteria: ClinGen Diabetes ACMG Specifications HNF1A V2.1.0. Collection method: curation. Allele origin: germline. Inheritance: Autosomal dominant inheritance.
Comment: The c.92G>A variant in the HNF1 homeobox A gene, HNF1A, causes an amino acid change of glycine to aspartic acid at codon 31 (p.(Gly31Asp)) of NM_000545.8. This variant is located within the dimerization domain (codons 1-32) of HNF1A, which is defined as critical for the protein’s function by the ClinGen MDEP (PM1_Supporting). While this variant has been noted to be a pathogenic variant in the literature, there are numerous pieces of evidence that refute this classification. Functional studies demonstrated the p.Gly31Asp protein has DNA binding above 75% of wild type, indicating that this variant does not impact protein function (PMID: 32910913) (BS3_Supporting). This variant has a REVEL score of 0.591, which is between the ClinGen MDEP thresholds for PP3 and BP4, predicting neither a damaging nor benign impact on HNF1A function. This variant has a Grpmax Filtering allele frequency in gnomAD 2.1.1 of 0.000772 (0.0772%), which is greater than the MDEP threshold for BA1 (≥0.0001) (BA1). It has been was identified in >30 unrelated individuals with diabetes; however, PS4 cannot be applied because the variant MAF in gnomAD is above the ClinGen MDEP PM2_Supporting cutoff (PMID: 31365591, 31638168, 19169489, 26431509, 28395978, 20950394, 26059258, 19929997, 22432108, 27899486, 23551881, 24041679, 16917892, 21696527, and others). In summary, c.92G>A meets the criteria to be classified as benign for monogenic diabetes. ACMG/AMP criteria applied, as specified by the ClinGen MDEP (specification version 2.1.1, approved 8/11/2023): BA1, BS3_Supporting, PM1_Supporting.

CeGaT Center for Human Genetics Tuebingen
Classification: Benign. Last evaluated: 2026-04-01. Review status: criteria provided, single submitter. Criteria: CeGaT Center For Human Genetics Tuebingen Variant Classification Criteria Version 2. Collection method: clinical testing. Allele origin: germline. Affected: yes. Observed: 6 variant alleles. Not counted in ClinVar's aggregate classification.
Comment: HNF1A: BS1, BS2

Labcorp Genetics (formerly Invitae), Labcorp
Classification: Likely benign. Last evaluated: 2026-01-28. Review status: criteria provided, single submitter. Criteria: Invitae Variant Classification Sherloc (09022015). Collection method: clinical testing. Allele origin: germline. Not counted in ClinVar's aggregate classification.

Athena Diagnostics
Classification: Benign. Last evaluated: 2025-03-31. Review status: criteria provided, single submitter. Criteria: Athena Diagnostics Criteria. Collection method: clinical testing. Allele origin: unknown. Not counted in ClinVar's aggregate classification.
Comment: The frequency of this variant in the general population is higher than would generally be expected for pathogenic variants in this gene.

Blueprint Genetics
Classification: Likely benign. Last evaluated: 2024-11-20. Review status: criteria provided, single submitter. Criteria: ACMG Guidelines, 2015. Collection method: clinical testing. Allele origin: germline. Not counted in ClinVar's aggregate classification.

Women's Health and Genetics/Laboratory Corporation of America, LabCorp
Classification: Benign. Last evaluated: 2024-09-13. Review status: criteria provided, single submitter. Criteria: LabCorp Variant Classification Summary - May 2015. Collection method: clinical testing. Allele origin: germline. Not counted in ClinVar's aggregate classification.
Comment: Variant summary: HNF1A c.92G>A (p.Gly31Asp) results in a non-conservative amino acid change located in the HNF-1, dimerization domain (IPR044866) of the encoded protein sequence. Three of five in-silico tools predict a damaging effect of the variant on protein function. The variant allele was found at a frequency of 0.00088 in 1613474 control chromosomes, predominantly at a frequency of 0.0017 within the Latino subpopulation in the gnomAD database, including 1 homozygote. The observed variant frequency within Latino control individuals in the gnomAD database is approximately 68 fold of the estimated maximal expected allele frequency for a pathogenic variant in HNF1A causing Maturity Onset Diabetes Of The Young 3 phenotype (2.5e-05). c.92G>A has been reported in the literature in individuals affected with HNF1A-related conditions (examples: Urruitia_2019, Johnson_2019). These report(s) do not provide unequivocal conclusions about association of the variant with Maturity Onset Diabetes of The Young 3. At least one publication reports experimental evidence evaluating an impact on protein function. These results showed no damaging effect of this variant. The following publications have been ascertained in the context of this evaluation (PMID: 32910913, 31365591, 30191644). ClinVar contains an entry for this variant (Variation ID: 14948). Based on the evidence outlined above, the variant was classified as benign.

ARUP Laboratories, Molecular Genetics and Genomics, ARUP Laboratories
Classification: Benign. Last evaluated: 2024-01-24. Review status: criteria provided, single submitter. Criteria: ARUP Molecular Germline Variant Investigation Process 2024. Collection method: clinical testing. Allele origin: germline. Not counted in ClinVar's aggregate classification.

Mendelics
Classification: Benign for Maturity-onset diabetes of the young type 3. Last evaluated: 2023-08-22. Review status: criteria provided, single submitter. Criteria: Mendelics Assertion Criteria 2019. Collection method: clinical testing. Allele origin: germline. Not counted in ClinVar's aggregate classification.

Ambry Genetics
Classification: Likely benign for Maturity-onset diabetes of the young. Last evaluated: 2022-04-15. Review status: criteria provided, single submitter. Criteria: Ambry Variant Classification Scheme 2023. Collection method: clinical testing. Allele origin: germline. Not counted in ClinVar's aggregate classification.

Fulgent Genetics
Classification: Likely benign for Type 2 diabetes mellitus; Hepatic adenomas, familial; Nonpapillary renal cell carcinoma; Diabetes mellitus type 1; Maturity-onset diabetes of the young type 3; Type 1 diabetes mellitus 20. Last evaluated: 2021-08-24. Review status: criteria provided, single submitter. Criteria: ACMG Guidelines, 2015. Collection method: clinical testing. Allele origin: unknown. Not counted in ClinVar's aggregate classification.

Laboratory for Molecular Medicine, Mass General Brigham Personalized Medicine
Classification: Likely benign. Last evaluated: 2020-11-06. Review status: criteria provided, single submitter. Criteria: ACMG Guidelines, 2015. Collection method: clinical testing. Allele origin: germline. Not counted in ClinVar's aggregate classification.
Comment: The p.Gly31Asp variant in HNF1A is classified as likely benign because it has also been identified in 0.16% (55/35352) of Latino chromosomes by gnomAD (dbSNP rs137853247). This variant has also been reported in ClinVar (Variation ID 29987). Computational prediction tools and conservation analysis do not provide strong support for or against an impact to the protein. ACMG/AMP criteria applied: BS1.

Illumina Laboratory Services, Illumina
Classification: Likely benign for Maturity-onset diabetes of the young type 3. Last evaluated: 2017-04-27. Review status: criteria provided, single submitter. Criteria: ICSL Variant Classification Criteria 13 December 2019. Collection method: clinical testing. Allele origin: germline. Not counted in ClinVar's aggregate classification.
Comment: This variant was observed as part of a predisposition screen in an ostensibly healthy population. A literature search was performed for the gene, cDNA change, and amino acid change (where applicable). Publications were found based on this search. The evidence from the literature, in combination with allele frequency data from public databases where available, was sufficient to determine this variant is unlikely to cause disease. Therefore, this variant is classified as likely benign.

GeneDx
Classification: Likely benign. Last evaluated: 2017-03-01. Review status: criteria provided, single submitter. Criteria: GeneDx Variant Classification (06012015). Collection method: clinical testing. Allele origin: germline. Affected: yes. Not counted in ClinVar's aggregate classification.
Comment: This variant is considered likely benign or benign based on one or more of the following criteria: it is a conservative change, it occurs at a poorly conserved position in the protein, it is predicted to be benign by multiple in silico algorithms, and/or has population frequency not consistent with disease.

NM_000545.8(HNF1A):c.92G>A (p.Gly31Asp)

Gene: HNF1A (HNF1 homeobox A; plus strand). Cytogenetic location: 12q24.31.
Variant type: single nucleotide variant.
Coding change: c.92G>A on transcript NM_000545.8 (MANE Select); coding-DNA position 92, G replaced by A.
Protein change: p.Gly31Asp; replaces glycine 31 with aspartic acid.
Molecular consequence: missense variant.
Genome position (GRCh38, 1-based): chr12:120,978,860, G>A. VCF-style: chr12-120978860-G-A. GRCh37 (hg19) VCF-style: chr12-121416663-G-A.
Other names: G92D; NM_000545.6(HNF1A):c.92G>A; p.Gly31Asp; NM_000545.8(HNF1A):c.92G>A; c.92G>A, p.Gly31Asp (NM_001306179.2); c.92G>A (NM_000545.6); short protein forms G31D.
Identifiers: ClinVar variation 14948 (VCV000014948.97), dbSNP rs137853247, ClinGen allele CA124487.